The following is an entry in ClinVar:

NM_024334.3(TMEM43):c.886G>A (p.Val296Met)

Gene: TMEM43 (transmembrane protein 43; plus strand). Cytogenetic location: 3p25.1.
Variant type: single nucleotide variant.
Coding change: c.886G>A on transcript NM_024334.3 (MANE Select); coding-DNA position 886, G replaced by A.
Protein change: p.Val296Met; replaces valine 296 with methionine.
Molecular consequence: missense variant.
Genome position (GRCh38, 1-based): chr3:14,139,183, G>A. VCF-style: chr3-14139183-G-A. GRCh37 (hg19) VCF-style: chr3-14180683-G-A.
Other names: short protein forms V296M.
Identifiers: ClinVar variation 948819 (VCV000948819.7), dbSNP rs1695216015, ClinGen allele CA351536081.

ClinVar aggregate classification (germline): Uncertain significance (1 of 4 stars; one submission).

Conditions:
Arrhythmogenic right ventricular dysplasia 5. Also called: Arrhythmogenic Right Ventricular Dysplasia/Cardiomyopathy 5; ARRHYTHMOGENIC RIGHT VENTRICULAR DYSPLASIA, FAMILIAL, 5. Identifiers: MedGen C1858379, MONDO:0011459, OMIM 604400.

Allele frequency attached by ClinVar (database versions not stated): gnomAD exomes below 0.00001; TOPMed 0.00001.
gnomAD v4.1: 2 of 1,612,702 alleles (0.00012%); highest among the groups gnomAD compares: Non-Finnish European, 0.00017%; no homozygotes.

Submission:

Labcorp Genetics (formerly Invitae), Labcorp
Classification: Uncertain significance for Arrhythmogenic right ventricular dysplasia 5. Last evaluated: 2024-11-03. Review status: criteria provided, single submitter. Criteria: Invitae Variant Classification Sherloc (09022015). Collection method: clinical testing. Allele origin: germline.
Comment: This sequence change replaces valine, which is neutral and non-polar, with methionine, which is neutral and non-polar, at codon 296 of the TMEM43 protein (p.Val296Met). This variant is not present in population databases (gnomAD no frequency). This variant has not been reported in the literature in individuals affected with TMEM43-related conditions. ClinVar contains an entry for this variant (Variation ID: 948819). Invitae Evidence Modeling of protein sequence and biophysical properties (such as structural, functional, and spatial information, amino acid conservation, physicochemical variation, residue mobility, and thermodynamic stability) indicates that this missense variant is not expected to disrupt TMEM43 protein function with a negative predictive value of 80%. In summary, the available evidence is currently insufficient to determine the role of this variant in disease. Therefore, it has been classified as a Variant of Uncertain Significance.